The following is an entry in ClinVar:

NM_001127208.3(TET2):c.4053T>C (p.Tyr1351=)

Genes: TET2 (tet methylcytosine dioxygenase 2; plus strand), TET2-AS1 (TET2 antisense RNA 1; minus strand). Cytogenetic location: 4q24.
Variant type: single nucleotide variant.
Coding change: c.4053T>C on transcript NM_001127208.3 (MANE Select); coding-DNA position 4053, T replaced by C.
Protein change: p.Tyr1351=; no amino-acid change (tyrosine 1351 retained).
Molecular consequence: synonymous variant.
Genome position (GRCh38, 1-based): chr4:105,269,618, T>C. VCF-style: chr4-105269618-T-C. GRCh37 (hg19) VCF-style: chr4-106190775-T-C.
Identifiers: ClinVar variation 3048802 (VCV003048802.2), dbSNP rs1248132291, ClinGen allele CA440538593.
Genomic context (GRCh38, chr4:105,269,618, plus strand): 5'-TGTAAGAGTAAAACTAACTACTTTCGCATTCACACACACTTTTATTTTTCAGATTGAATA[T>C]GAACACAGAGCACCAGAGTGCCGTCTGGGTCTGAAGGAAGGCCGTCCATTCTCAGGGGTC-3'
Protein context (NP_001120680.1, residues 1341-1361): APDAYNNQIE[Tyr1351=]EHRAPECRLG

ClinVar aggregate classification (germline): Likely benign (0 of 4 stars; one submission).

Conditions:
TET2-related disorder. Also called: TET2-related condition.

Submission:

PreventionGenetics, part of Exact Sciences
Classification: Likely benign for TET2-related condition. Last evaluated: 2023-03-23. Review status: no assertion criteria provided. Collection method: clinical testing. Allele origin: germline.
Comment: This variant is classified as likely benign based on ACMG/AMP sequence variant interpretation guidelines (Richards et al. 2015 PMID: 25741868, with internal and published modifications).